The following is an entry in ClinVar:

ClinVar aggregate classification (germline): Pathogenic (1 of 4 stars; one submission).

Conditions:
Hermansky-Pudlak syndrome 3 (HPS3). Identifiers: Orphanet 231512, Orphanet 79430, MedGen C3888001, MONDO:0013555, OMIM 614072.

Submission:

Myriad Genetics, Inc.
Classification: Pathogenic for Hermansky-Pudlak syndrome 3. Last evaluated: 2024-05-14. Review status: criteria provided, single submitter. Criteria: Myriad Autosomal Dominant, Autosomal Recessive and X-Linked Classification Criteria (2023). Collection method: clinical testing. Allele origin: unknown.
Comment: NM_032383.3(HPS3):c.757_758ins13(I253Sfs*15) is expected to be pathogenic in the context of Hermansky-Pudlak syndrome, HPS3-related. This variant is predicted to lead to an abnormal or absent protein product due to the creation of a premature termination codon in HPS3, a gene where loss-of-function variants are known to be pathogenic. Please note: this variant was assessed in the context of healthy population screening.

NM_032383.5(HPS3):c.757_758insGTATAAGAGACAG (p.Ile253fs)

Gene: HPS3 (HPS3 biogenesis of lysosomal organelles complex 2 subunit 1; plus strand). Cytogenetic location: 3q24.
Variant type: Insertion.
Coding change: c.757_758insGTATAAGAGACAG on transcript NM_032383.5 (MANE Select); coding-DNA positions 757 to 758, GTATAAGAGACAG inserted.
Protein change: p.Ile253fs; shifts the reading frame from isoleucine 253.
Molecular consequence: frameshift variant.
Genome position: GRCh38 VCF-style: chr3-149141061-A-AGTATAAGAGACAG. GRCh37 (hg19) VCF-style: chr3-148858848-A-AGTATAAGAGACAG.
Other names: c.262_263insGTATAAGAGACAG, p.Ile88fs (NM_001308258.2); short protein forms I253fs, I88fs.
Identifiers: ClinVar variation 5011200 (VCV005011200.1).
Genomic context (GRCh38, chr3:149,141,061, plus strand): 5'-ATTTTATTTTTTTAAGGCATCAGTAATGAAATTTCACAGCTTGAGTCAGATGATTTTGTC[A>AGTATAAGAGACAG]TCTGCCAGAAGCCCCTGGAACTTCTTGGTGAAAAAAGTGAACAGTCTGGATTATCTGTTA-3'